The following is an entry in ClinVar:

NM_021942.6(TRAPPC11):c.2234C>T (p.Thr745Ile)

Gene: TRAPPC11 (trafficking protein particle complex subunit 11; plus strand). Cytogenetic location: 4q35.1.
Variant type: single nucleotide variant.
Coding change: c.2234C>T on transcript NM_021942.6 (MANE Select); coding-DNA position 2234, C replaced by T.
Protein change: p.Thr745Ile; replaces threonine 745 with isoleucine.
Molecular consequence: missense variant.
Genome position (GRCh38, 1-based): chr4:183,693,144, C>T. VCF-style: chr4-183693144-C-T. GRCh37 (hg19) VCF-style: chr4-184614297-C-T.
Other names: c.2234C>T, p.Thr745Ile (NM_199053.3); short protein forms T745I.
Identifiers: ClinVar variation 1301767 (VCV001301767.2), dbSNP rs768000138, ClinGen allele CA358871113.

ClinVar aggregate classification (germline): Uncertain significance (1 of 4 stars; one submission).

Conditions:
Autosomal recessive limb-girdle muscular dystrophy type R18 (LGMDR18). Also called: MUSCULAR DYSTROPHY, LIMB-GIRDLE, AUTOSOMAL RECESSIVE 18; Autosomal recessive limb-girdle muscular dystrophy type 2S; Limb-girdle muscular dystrophy, type 2S. Identifiers: Orphanet 369840, MedGen C4517996, MONDO:0014144, OMIM 615356.

gnomAD v4.1: 3 of 1,583,652 alleles (0.00019%); highest among the groups gnomAD compares: Non-Finnish European, 0.00026%; no homozygotes.

Submission:

Dubai Health Genomic Medicine Center, Dubai Health
Classification: Uncertain significance for Autosomal recessive limb-girdle muscular dystrophy type R18. Last evaluated: 2020-01-06. Review status: criteria provided, single submitter. Criteria: ACMG Guidelines, 2015. Collection method: clinical testing. Allele origin: germline. Affected: yes.
Comment: The p.Thr745Ile missense variant in TRAPPC11 has not been previously reported in affected individuals and is absent from large population studies such the Genome Aggregation Database (gnomAD) and the Greater Middle East (GME) variome database. Conservation analysis and computational prediction tools suggest an impact to protein function though this information is not predictive enough to confirm pathogenicity. In summary more information is needed to determine the clinical significance of this variant.